The following is an entry in ClinVar:

NM_017617.5(NOTCH1):c.637C>A (p.Pro213Thr)

Gene: NOTCH1 (notch receptor 1; minus strand). Cytogenetic location: 9q34.3.
Variant type: single nucleotide variant.
Coding change: c.637C>A on transcript NM_017617.5 (MANE Select); coding-DNA position 637, C replaced by A.
Protein change: p.Pro213Thr; replaces proline 213 with threonine.
Molecular consequence: missense variant.
Genome position (GRCh38, 1-based): chr9:136,522,955, G>T on the plus strand (C>A on the coding strand, the complement: NOTCH1 is on the minus strand). VCF-style: chr9-136522955-G-T. GRCh37 (hg19) VCF-style: chr9-139417407-G-T.
Other names: short protein forms P213T.
Identifiers: ClinVar variation 4692906 (VCV004692906.1).

ClinVar aggregate classification (germline): Uncertain significance (1 of 4 stars; one submission).

Conditions:
Adams-Oliver syndrome 5 (AOS5). Identifiers: Orphanet 974, MedGen C4014970, MONDO:0014459, OMIM 616028.

Submission:

Labcorp Genetics (formerly Invitae), Labcorp
Classification: Uncertain significance for Adams-Oliver syndrome 5. Last evaluated: 2026-01-22. Review status: criteria provided, single submitter. Criteria: Invitae Variant Classification Sherloc (09022015). Collection method: clinical testing. Allele origin: germline.
Comment: This sequence change replaces proline, which is neutral and non-polar, with threonine, which is neutral and polar, at codon 213 of the NOTCH1 protein (p.Pro213Thr). This variant is not present in population databases (gnomAD no frequency). This variant has not been reported in the literature in individuals affected with NOTCH1-related conditions. Invitae Evidence Modeling of protein sequence and biophysical properties (such as structural, functional, and spatial information, amino acid conservation, physicochemical variation, residue mobility, and thermodynamic stability) indicates that this missense variant is not expected to disrupt NOTCH1 protein function with a negative predictive value of 95%. In summary, the available evidence is currently insufficient to determine the role of this variant in disease. Therefore, it has been classified as a Variant of Uncertain Significance.